The following is an entry in ClinVar:

NM_002113.3(CFHR1):c.727C>G (p.Leu243Val)

Gene: CFHR1 (complement factor H related 1; plus strand). Cytogenetic location: 1q31.3.
Variant type: single nucleotide variant.
Coding change: c.727C>G on transcript NM_002113.3 (MANE Select); coding-DNA position 727, C replaced by G.
Protein change: p.Leu243Val; replaces leucine 243 with valine.
Molecular consequence: missense variant.
Genome position (GRCh38, 1-based): chr1:196,830,619, C>G. VCF-style: chr1-196830619-C-G. GRCh37 (hg19) VCF-style: chr1-196799749-C-G.
Other names: c.676C>G, p.Leu226Val (NM_001379306.1); c.565C>G, p.Leu189Val (NM_001379307.1); c.562C>G, p.Leu188Val (NM_001379308.1); c.559C>G, p.Leu187Val (NM_001379309.1); c.532C>G, p.Leu178Val (NM_001379310.1); c.523C>G, p.Leu175Val (NM_001379311.1); c.484C>G, p.Leu162Val (NM_001379312.1); short protein forms L243V, L162V, L175V, L178V, L187V, L188V, L189V, L226V.
Identifiers: ClinVar variation 915861 (VCV000915861.1), dbSNP rs1655514497, ClinGen allele CA343991661.
Genomic context (GRCh38, chr1:196,830,619, plus strand): 5'-CCGTTGTCAGTATATGCTCCAGCTTCATCAGTTGAGTACCAATGCCAGAACTTGTATCAA[C>G]TTGAGGGTAACAAGCGAATAACATGTAGAAATGGACAATGGTCAGAACCACCAAAATGCT-3'
Protein context (NP_002104.2, residues 233-253): VEYQCQNLYQ[Leu243Val]EGNKRITCRN

ClinVar aggregate classification (germline): Uncertain significance (1 of 4 stars; one submission).

Conditions:
Chronic kidney disease. Identifiers: MedGen C1561643, MONDO:0005300, HP:0012622.

Submission:

Cavalleri Lab, Royal College of Surgeons in Ireland
Classification: Uncertain significance for Chronic kidney disease. Last evaluated: 2020-05-28. Review status: criteria provided, single submitter. Criteria: ACMG Guidelines, 2015. Collection method: research. Allele origin: unknown. Inheritance: Autosomal dominant inheritance. Affected: yes.
Comment: PM2, PP3